The following is an entry in ClinVar:

ClinVar aggregate classification (germline): Uncertain significance (1 of 4 stars; one submission).

Conditions:
Cone-rod dystrophy 2 (CORD2). Also called: CONE-ROD RETINAL DYSTROPHY; Cone-rod retinal dystrophy 2. Identifiers: Orphanet 1872, MedGen C3489532, MONDO:0007362, OMIM 120970.
Leber congenital amaurosis 7 (LCA7). Identifiers: Orphanet 65, MedGen C3151192, MONDO:0013449, OMIM 613829.

Allele frequency attached by ClinVar (database versions not stated): TOPMed below 0.00001; gnomAD exomes 0.00001; gnomAD 0.00002.

Submission:

Labcorp Genetics (formerly Invitae), Labcorp
Classification: Uncertain significance for Cone-rod dystrophy 2; Leber congenital amaurosis 7. Last evaluated: 2024-05-07. Review status: criteria provided, single submitter. Criteria: Invitae Variant Classification Sherloc (09022015). Collection method: clinical testing. Allele origin: germline.
Comment: This sequence change replaces alanine, which is neutral and non-polar, with threonine, which is neutral and polar, at codon 200 of the CRX protein (p.Ala200Thr). This variant is present in population databases (no rsID available, gnomAD 0.006%). This variant has not been reported in the literature in individuals affected with CRX-related conditions. Advanced modeling of protein sequence and biophysical properties (such as structural, functional, and spatial information, amino acid conservation, physicochemical variation, residue mobility, and thermodynamic stability) performed at Invitae indicates that this missense variant is not expected to disrupt CRX protein function with a negative predictive value of 80%. In summary, the available evidence is currently insufficient to determine the role of this variant in disease. Therefore, it has been classified as a Variant of Uncertain Significance.

NM_000554.6(CRX):c.598G>A (p.Ala200Thr)

Gene: CRX (cone-rod homeobox; plus strand). Cytogenetic location: 19q13.33.
Variant type: single nucleotide variant.
Coding change: c.598G>A on transcript NM_000554.6 (MANE Select); coding-DNA position 598, G replaced by A.
Protein change: p.Ala200Thr; replaces alanine 200 with threonine.
Molecular consequence: missense variant.
Genome position (GRCh38, 1-based): chr19:47,839,665, G>A. VCF-style: chr19-47839665-G-A. GRCh37 (hg19) VCF-style: chr19-48342922-G-A.
Other names: short protein forms A200T.
Identifiers: ClinVar variation 2923656 (VCV002923656.3), dbSNP rs1284959772, ClinGen allele CA406631200.